The following is an entry in ClinVar:

NM_001754.5(RUNX1):c.1088_1100del (p.Gly363fs)

Gene: RUNX1 (RUNX family transcription factor 1; minus strand). Cytogenetic location: 21q22.12.
Variant type: Deletion.
Coding change: c.1088_1100del on transcript NM_001754.5 (MANE Select); coding-DNA positions 1088 to 1100, 13 bases deleted (GCATCGGCATCGG).
Protein change: p.Gly363fs; shifts the reading frame from glycine 363.
Molecular consequence: frameshift variant.
Genome position (GRCh38, 1-based): chr21:34,792,478-34,792,490, CCGATGCCGATGC deleted on the plus strand (GCATCGGCATCGG on the coding strand, the reverse complement: RUNX1 is on the minus strand); deleting any 13 consecutive bases within chr21:34,792,478-34,792,494 gives the same sequence; the c. name uses the placement nearest the transcript's 3' end. VCF-style (leftmost placement, unchanged base first): chr21-34792477-GCCGATGCCGATGC-G. GRCh37 (hg19) VCF-style: chr21-36164774-GCCGATGCCGATGC-G.
Other names: NM_001754.5(RUNX1):c.1088_1100del; p.Gly363fs; c.1007_1019del, p.Gly336fs (NM_001001890.3); short protein forms G363fs, G336fs.
Identifiers: ClinVar variation 3727697 (VCV003727697.4).

ClinVar aggregate classification (germline): Likely pathogenic. Review status: reviewed by expert panel (3 of 4 stars). 2 submissions from 2 submitters: Likely pathogenic (1). 1 of the submissions does not count toward it. Last evaluated 2026-10-05.

Conditions:
Hereditary thrombocytopenia and hematologic cancer predisposition syndrome. Identifiers: Orphanet 71290, MedGen CN281654, MONDO:0011071.
Hereditary thrombocytopenia and hematological cancer predisposition syndrome associated with RUNX1. Also called: PLATELET DISORDER, ASPIRIN-LIKE; Familial Platelet Disorder with Propensity to Acute Myelogenous Leukemia; Familial thrombocytopenia with propensity to acute myelogenous leukemia; RUNX1 Familial Platelet Disorder with Associated Myeloid Malignancies. Identifiers: Orphanet 71290, MedGen C1832388, MeSH C563324, MONDO:0100083, OMIM 601399.

Submissions (2):

ClinGen Myeloid Malignancy Variant Curation Expert Panel
Classification: Likely pathogenic for Hereditary thrombocytopenia and hematologic cancer predisposition syndrome. Last evaluated: 2026-10-05. Review status: reviewed by expert panel. Criteria: ClinGen MyeloMalig ACMG Specifications V3.1. Collection method: curation. Allele origin: germline. Inheritance: Autosomal dominant inheritance.
Comment: NM_001754.5(RUNX1):c.1088_1100del (p.Gly363fs) is a frameshift variant which is not predicted to undergo NMD (PVS1_Strong). This variant is downstream of c.98 (PM5_Supporting) and is completely absent from all population databases with at least 20x coverage for RUNX1 (PM2_Supporting). In summary, this variant meets criteria to be classified as likely pathogenic. ACMG/AMP criteria applied, as specified by the ClinGen Myeloid Malignancy Variant Curation Expert Panel for RUNX1: PVS1_Strong, PM5_Supporting, PM2_Supporting.

Labcorp Genetics (formerly Invitae), Labcorp
Classification: Pathogenic for Hereditary thrombocytopenia and hematological cancer predisposition syndrome associated with RUNX1. Last evaluated: 2025-03-12. Review status: criteria provided, single submitter. Criteria: Invitae Variant Classification Sherloc (09022015). Collection method: clinical testing. Allele origin: germline. Not counted in ClinVar's aggregate classification.
Comment: This sequence change results in a frameshift in the RUNX1 gene (p.Gly363Alafs*227). While this is not anticipated to result in nonsense mediated decay, it is expected to disrupt the last 118 amino acid(s) of the RUNX1 protein and extend the protein by 108 additional amino acid residues. This variant is not present in population databases (gnomAD no frequency). This variant has not been reported in the literature in individuals affected with RUNX1-related conditions. This variant disrupts a region of the RUNX1 protein in which other variant(s) (p.Tyr414*) have been determined to be pathogenic (PMID: 30600763, 36583461). This suggests that this is a clinically significant region of the protein, and that variants that disrupt it are likely to be disease-causing. For these reasons, this variant has been classified as Pathogenic.

Literature cited by the submitters: PubMed 30600763 (cited by Labcorp Genetics (formerly Invitae), Labcorp); PubMed 36583461 (cited by Labcorp Genetics (formerly Invitae), Labcorp).